The following is an entry in ClinVar:

NM_001457.4(FLNB):c.5051A>G (p.Tyr1684Cys)

Gene: FLNB (filamin B; plus strand). Cytogenetic location: 3p14.3.
Variant type: single nucleotide variant.
Coding change: c.5051A>G on transcript NM_001457.4 (MANE Select); coding-DNA position 5051, A replaced by G.
Protein change: p.Tyr1684Cys; replaces tyrosine 1684 with cysteine.
Molecular consequence: missense variant.
Genome position (GRCh38, 1-based): chr3:58,138,471, A>G. VCF-style: chr3-58138471-A-G. GRCh37 (hg19) VCF-style: chr3-58124198-A-G.
Other names: c.5051A>G (NM_001457.3); c.5144A>G, p.Tyr1715Cys (NM_001164317.2); c.5051A>G, p.Tyr1684Cys (NM_001164318.2, NM_001164319.2); short protein forms Y1684C, Y1715C.
Identifiers: ClinVar variation 1448490 (VCV001448490.8), dbSNP rs376280025, ClinGen allele CA2468933.

ClinVar aggregate classification (germline): Conflicting classifications of pathogenicity. Review status: criteria provided, conflicting classifications (1 of 4 stars). 2 submissions from 2 submitters: Uncertain significance (1); Likely benign (1). Last evaluated 2025-12-09.

Allele frequency attached by ClinVar (database versions not stated): ExAC 0.00002; gnomAD 0.00002; TOPMed 0.00002; gnomAD exomes 0.00004 and 0.00009; ESP Exome Variant Server 0.00008.
gnomAD v4.1: 135 of 1,614,070 alleles (0.0084%); highest among the groups gnomAD compares: Non-Finnish European, 0.011%; no homozygotes.

Submissions (2):

Labcorp Genetics (formerly Invitae), Labcorp
Classification: Likely benign. Last evaluated: 2025-12-09. Review status: criteria provided, single submitter. Criteria: Invitae Variant Classification Sherloc (09022015). Collection method: clinical testing. Allele origin: germline.

Women's Health and Genetics/Laboratory Corporation of America, LabCorp
Classification: Uncertain significance. Last evaluated: 2023-05-11. Review status: criteria provided, single submitter. Criteria: LabCorp Variant Classification Summary - May 2015. Collection method: clinical testing. Allele origin: germline.
Comment: Variant summary: FLNB c.5051A>G (p.Tyr1684Cys) results in a non-conservative amino acid change in the encoded protein sequence. Five of five in-silico tools predict a damaging effect of the variant on protein function. The variant allele was found at a frequency of 4.4e-05 in 251092 control chromosomes (gnomAD). To our knowledge, no occurrence of c.5051A>G in individuals affected with Larsen Syndrome and no experimental evidence demonstrating its impact on protein function have been reported. One clinical diagnostic laboratory has submitted clinical-significance assessments for this variant to ClinVar after 2014 and classified the variant as likely benign. Based on the evidence outlined above, the variant was classified as uncertain significance.